The following is an entry in ClinVar:

ClinVar aggregate classification (germline): Conflicting classifications of pathogenicity. Review status: criteria provided, conflicting classifications (1 of 4 stars). 5 submissions from 5 submitters: Uncertain significance (3); Likely benign (2). Last evaluated 2026-08-13.

Conditions:
Occult macular dystrophy (OCMD). Also called: OCCULT MACULAR DYSTROPHY, SUSCEPTIBILITY TO; OMD. Identifiers: Orphanet 247834, MedGen C3150833, MONDO:0013316, OMIM 613587, HP:0030636.
RP1L1-related disorder. Also called: RP1L1-related condition.
Inborn genetic diseases. Identifiers: MedGen C0950123, MeSH D030342.

Allele frequency attached by ClinVar (database versions not stated): gnomAD 0.00003; ExAC 0.00007; ESP Exome Variant Server 0.00008; TOPMed 0.00016.
gnomAD v4.1: 370 of 1,613,314 alleles (0.023%); highest among the groups gnomAD compares: Non-Finnish European, 0.029%; no homozygotes.

Submissions (5):

GeneDx
Classification: Uncertain significance. Last evaluated: 2026-08-13. Review status: criteria provided, single submitter. Criteria: GeneDx Variant Classification Process June 2021. Collection method: clinical testing. Allele origin: germline.
Comment: In silico analysis suggests that this missense variant does not alter protein structure/function; Has not been previously published as pathogenic or benign to our knowledge

PreventionGenetics, part of Exact Sciences
Classification: Uncertain significance for RP1L1-related condition. Last evaluated: 2026-02-17. Review status: criteria provided, single submitter. Criteria: ACMG Guidelines, 2015. Collection method: clinical testing. Allele origin: germline.
Comment: The RP1L1 c.1090C>G variant is predicted to result in the amino acid substitution p.Pro364Ala. To our knowledge, this variant has not been reported in the literature. This variant is reported in 0.015% of alleles in individuals of European (Non-Finnish) descent in gnomAD. At this time, the clinical significance of this variant is uncertain due to the absence of conclusive functional and genetic evidence.

Ambry Genetics
Classification: Uncertain significance for Inborn genetic diseases. Last evaluated: 2025-04-02. Review status: criteria provided, single submitter. Criteria: Ambry Variant Classification Scheme 2023. Collection method: clinical testing. Allele origin: germline.

Blueprint Genetics
Classification: Likely benign. Last evaluated: 2024-06-03. Review status: criteria provided, single submitter. Criteria: ACMG Guidelines, 2015. Collection method: clinical testing. Allele origin: germline.

Illumina Laboratory Services, Illumina
Classification: Likely benign for Occult macular dystrophy. Last evaluated: 2018-01-13. Review status: criteria provided, single submitter. Criteria: ICSL Variant Classification Criteria 13 December 2019. Collection method: clinical testing. Allele origin: germline.
Comment: This variant was observed in the ICSL laboratory as part of a predisposition screen in an ostensibly healthy population. It had not been previously curated by ICSL or reported in the Human Gene Mutation Database (HGMD: prior to June 1st, 2018), and was therefore a candidate for classification through an automated scoring system. Utilizing variant allele frequency, disease prevalence and penetrance estimates, and inheritance mode, an automated score was calculated to assess if this variant is too frequent to cause the disease. Based on the score and internal cut-off values, a variant classified as likely benign is not then subjected to further curation. The score for this variant resulted in a classification of likely benign for this disease.

NM_178857.6(RP1L1):c.1090C>G (p.Pro364Ala)

Gene: RP1L1 (RP1 like 1). Cytogenetic location: 8p23.1.
Variant type: single nucleotide variant.
Coding change: c.1090C>G on transcript NM_178857.6 (MANE Select); coding-DNA position 1090, C replaced by G.
Protein change: p.Pro364Ala; replaces proline 364 with alanine.
Molecular consequence: missense variant.
Genome position (GRCh38, 1-based): chr8:10,613,008, G>C on the plus strand (C>G on the coding strand, the complement: RP1L1 is on the minus strand). VCF-style: chr8-10613008-G-C. GRCh37 (hg19) VCF-style: chr8-10470518-G-C.
Other names: short protein forms P364A.
Identifiers: ClinVar variation 361385 (VCV000361385.12), dbSNP rs372699223, ClinGen allele CA4625319.
Genomic context (GRCh38, chr8:10,613,008, plus strand): 5'-GTCCCCACACCCCAGGCTCTGAGAAGCCCCAAGGGTAGCCCTCCCACACACAGCAGAGGG[G>C]GTCTACCTCCCCCAGAACGGGGTCTTCCCCACTGGCTGCCGTGAGGGCGCTGGCCCTGCC-3'
Protein context (NP_849188.4, residues 354-374): GEDPVLGEVD[Pro364Ala]LCCVWEGYPW